The following is an entry in ClinVar:

NM_003002.4(SDHD):c.82C>G (p.Pro28Ala)

Gene: SDHD (succinate dehydrogenase complex subunit D; plus strand). Cytogenetic location: 11q23.1.
Variant type: single nucleotide variant.
Coding change: c.82C>G on transcript NM_003002.4 (MANE Select); coding-DNA position 82, C replaced by G.
Protein change: p.Pro28Ala; replaces proline 28 with alanine.
Molecular consequence: missense variant. On other transcripts: non-coding transcript variant (1), intron variant (1).
Genome position (GRCh38, 1-based): chr11:112,087,886, C>G. VCF-style: chr11-112087886-C-G. GRCh37 (hg19) VCF-style: chr11-111958610-C-G.
Other names: c.82C>G, p.Pro28Ala (NM_001276503.2, NM_001276506.2); c.52+927C>G (NM_001276504.2); short protein forms P28A.
Identifiers: ClinVar variation 533792 (VCV000533792.6), dbSNP rs541477171, ClinGen allele CA382616957.

ClinVar aggregate classification (germline): Uncertain significance (1 of 4 stars; one submission).

Conditions:
Pheochromocytoma. Also called: MAX-Related Hereditary Paraganglioma-Pheochromocytoma Syndrome. Identifiers: Orphanet 29072, MedGen C0031511, MONDO:0008233, OMIM 171300, HP:0002666.
Cowden syndrome 3 (CWS3). Identifiers: Orphanet 201, MedGen CN166604, MONDO:0014045.
Carney-Stratakis syndrome. Also called: PARAGANGLIOMA AND GASTROINTESTINAL STROMAL TUMOR. Identifiers: Orphanet 97286, MedGen C1847319, MONDO:0011740, OMIM 606864.
Paragangliomas with sensorineural hearing loss. Identifiers: MedGen C1868633.

Submission:

Labcorp Genetics (formerly Invitae), Labcorp
Classification: Uncertain significance for Carney-Stratakis syndrome; Paragangliomas with sensorineural hearing loss; Pheochromocytoma; Cowden syndrome 3. Last evaluated: 2017-08-02. Review status: criteria provided, single submitter. Criteria: Invitae Variant Classification Sherloc (09022015). Collection method: clinical testing. Allele origin: germline.
Comment: This sequence change replaces proline with alanine at codon 28 of the SDHD protein (p.Pro28Ala). The proline residue is moderately conserved and there is a small physicochemical difference between proline and alanine. This variant is not present in population databases (ExAC no frequency). In summary, the available evidence is currently insufficient to determine the role of this variant in disease. Therefore, it has been classified as a Variant of Uncertain Significance. Algorithms developed to predict the effect of missense changes on protein structure and function do not agree on the potential impact of this missense change (SIFT: "Tolerated"; PolyPhen-2: "Possibly Damaging"; Align-GVGD: "Class C0"). This variant has not been reported in the literature in individuals with SDHD-related disease.